The following is an entry in ClinVar:

ClinVar aggregate classification (germline): Uncertain significance. Review status: criteria provided, multiple submitters, no conflicts (2 of 4 stars). 3 submissions from 3 submitters: Uncertain significance (3). Last evaluated 2023-12-20.

Conditions:
Inborn genetic diseases. Identifiers: MedGen C0950123, MeSH D030342.
Intellectual disability, autosomal recessive 42 (NEDDSBA). Also called: GLYCOSYLPHOSPHATIDYLINOSITOL BIOSYNTHESIS DEFECT 9; Neurodevelopmental disorder with dysmorphic features, spasticity, and brain abnormalities. Identifiers: Orphanet 88616, MedGen C4014343, MONDO:0014348, OMIM 615802.

Allele frequency attached by ClinVar (database versions not stated): gnomAD 0.00003; TOPMed 0.00003; ExAC 0.00005; gnomAD exomes 0.00005.
gnomAD v4.1: 50 of 1,550,364 alleles (0.0032%); highest among the groups gnomAD compares: Admixed American, 0.0045%; no homozygotes.

Submissions (3):

Ambry Genetics
Classification: Uncertain significance for Inborn genetic diseases. Last evaluated: 2023-12-20. Review status: criteria provided, single submitter. Criteria: Ambry Variant Classification Scheme 2023. Collection method: clinical testing. Allele origin: germline.

GeneDx
Classification: Uncertain significance. Last evaluated: 2023-03-18. Review status: criteria provided, single submitter. Criteria: GeneDx Variant Classification Process June 2021. Collection method: clinical testing. Allele origin: germline. Affected: yes.
Comment: In silico analysis supports that this missense variant does not alter protein structure/function; Has not been previously published as pathogenic or benign to our knowledge

Labcorp Genetics (formerly Invitae), Labcorp
Classification: Uncertain significance for Intellectual disability, autosomal recessive 42. Last evaluated: 2021-08-18. Review status: criteria provided, single submitter. Criteria: Invitae Variant Classification Sherloc (09022015). Collection method: clinical testing. Allele origin: germline.
Comment: This sequence change replaces tyrosine with asparagine at codon 615 of the PGAP1 protein (p.Tyr615Asn). The tyrosine residue is moderately conserved and there is a large physicochemical difference between tyrosine and asparagine. This variant is present in population databases (rs771805552, ExAC 0.02%). This variant has not been reported in the literature in individuals affected with PGAP1-related conditions. Algorithms developed to predict the effect of missense changes on protein structure and function (SIFT, PolyPhen-2, Align-GVGD) all suggest that this variant is likely to be tolerated. In summary, the available evidence is currently insufficient to determine the role of this variant in disease. Therefore, it has been classified as a Variant of Uncertain Significance.

NM_024989.4(PGAP1):c.1843T>A (p.Tyr615Asn)

Gene: PGAP1 (post-GPI attachment to proteins inositol deacylase 1; minus strand). Cytogenetic location: 2q33.1.
Variant type: single nucleotide variant.
Coding change: c.1843T>A on transcript NM_024989.4 (MANE Select); coding-DNA position 1843, T replaced by A.
Protein change: p.Tyr615Asn; replaces tyrosine 615 with asparagine.
Molecular consequence: missense variant.
Genome position (GRCh38, 1-based): chr2:196,865,005, A>T on the plus strand (T>A on the coding strand, the complement: PGAP1 is on the minus strand). VCF-style: chr2-196865005-A-T. GRCh37 (hg19) VCF-style: chr2-197729729-A-T.
Other names: c.1321T>A, p.Tyr441Asn (NM_001321099.2); c.676T>A, p.Tyr226Asn (NM_001321100.2); c.1843T>A (NM_024989.3); short protein forms Y226N, Y441N, Y615N.
Identifiers: ClinVar variation 1511421 (VCV001511421.10), dbSNP rs771805552, ClinGen allele CA2040771.
Genomic context (GRCh38, chr2:196,865,005, plus strand): 5'-TATTCATAACAAAAGTAACTTAAAAATTAGAAGCATTCTTACCTGTTGAGAAAAGAGAAT[A>T]TAACTGTCCTCTATAAGCAAGAAGGATATTAGATACGACATAAGCAGGAAGAGCTCCACC-3'
Protein context (NP_079265.2, residues 605-625): NILLAYRGQL[Tyr615Asn]SLFSTGCCLE